The following is an entry in ClinVar:

NM_002470.4(MYH3):c.3611T>C (p.Leu1204Pro)

Gene: MYH3 (myosin heavy chain 3; minus strand). Cytogenetic location: 17p13.1.
Variant type: single nucleotide variant.
Coding change: c.3611T>C on transcript NM_002470.4 (MANE Select); coding-DNA position 3611, T replaced by C.
Protein change: p.Leu1204Pro; replaces leucine 1204 with proline.
Molecular consequence: missense variant.
Genome position (GRCh38, 1-based): chr17:10,638,161, A>G on the plus strand (T>C on the coding strand, the complement: MYH3 is on the minus strand). VCF-style: chr17-10638161-A-G. GRCh37 (hg19) VCF-style: chr17-10541478-A-G.
Other names: short protein forms L1204P.
Identifiers: ClinVar variation 372830 (VCV000372830.2), dbSNP rs1057518008, ClinGen allele CA16043037.

ClinVar aggregate classification (germline): Conflicting classifications of pathogenicity. Review status: criteria provided, conflicting classifications (1 of 4 stars). 2 submissions from 2 submitters: Likely pathogenic (1); Uncertain significance (1). Last evaluated 2022-05-04.

Submissions (2):

Mendelics
Classification: Uncertain significance. Last evaluated: 2022-05-04. Review status: criteria provided, single submitter. Criteria: Mendelics Assertion Criteria 2019. Collection method: clinical testing. Allele origin: germline.

GeneDx
Classification: Likely pathogenic. Last evaluated: 2015-12-17. Review status: criteria provided, single submitter. Criteria: GeneDx Variant Classification (06012015). Collection method: clinical testing. Allele origin: germline. Affected: yes.
Comment: The L1204P variant in the MYH3 gene has not been reported previously as a pathogenic variant, nor as a benign variant, to our knowledge. The L1204P variant was not observed in approximately 6500 individuals of European and African American ancestry in the NHLBI Exome Sequencing Project, indicating it is not a common benign variant in these populations. The L1204P variant is a semi-conservative amino acid substitution, which may impact secondary protein structure as these residues differ in some properties. This substitution occurs at a position that is conserved across species. In silico analysis predicts this variant is probably damaging to the protein structure/function. Therefore, we interpret L1204P as a likely pathogenic variant.